The following is an entry in ClinVar:

ClinVar aggregate classification (germline): Uncertain significance (1 of 4 stars; one submission).

Conditions:
Cardiovascular phenotype. Identifiers: MedGen CN230736.

Allele frequency attached by ClinVar (database versions not stated): gnomAD exomes below 0.00001.
gnomAD v4.1: 1 of 1,233,014 alleles (0.000081%); highest among the groups gnomAD compares: South Asian, 0.0035%; no homozygotes.

Submission:

Ambry Genetics
Classification: Uncertain significance for Cardiovascular phenotype. Last evaluated: 2022-07-21. Review status: criteria provided, single submitter. Criteria: Ambry Variant Classification Scheme 2023. Collection method: clinical testing. Allele origin: germline.
Comment: The p.A58T variant (also known as c.172G>A), located in coding exon 1 of the KCNQ1 gene, results from a G to A substitution at nucleotide position 172. The alanine at codon 58 is replaced by threonine, an amino acid with similar properties. This amino acid position is poorly conserved in available vertebrate species. In addition, this alteration is predicted to be tolerated by in silico analysis. Since supporting evidence is limited at this time, the clinical significance of this alteration remains unclear.

NM_000218.3(KCNQ1):c.172G>A (p.Ala58Thr)

Gene: KCNQ1 (potassium voltage-gated channel subfamily Q member 1; plus strand). Cytogenetic location: 11p15.5.
Variant type: single nucleotide variant.
Coding change: c.172G>A on transcript NM_000218.3 (MANE Select); coding-DNA position 172, G replaced by A.
Protein change: p.Ala58Thr; replaces alanine 58 with threonine.
Molecular consequence: missense variant.
Genome position (GRCh38, 1-based): chr11:2,445,270, G>A. VCF-style: chr11-2445270-G-A. GRCh37 (hg19) VCF-style: chr11-2466500-G-A.
Other names: c.172G>A, p.Ala58Thr (NM_001406836.1, NM_001406838.1); c.-191G>A (NM_001406837.1); short protein forms A58T.
Identifiers: ClinVar variation 1778955 (VCV001778955.2), dbSNP rs1846018349, ClinGen allele CA379116473.